The following is an entry in ClinVar:

NM_000059.4(BRCA2):c.796T>G (p.Phe266Val)

Gene: BRCA2 (BRCA2 DNA repair associated; plus strand). Cytogenetic location: 13q13.1.
Variant type: single nucleotide variant.
Coding change: c.796T>G on transcript NM_000059.4 (MANE Select); coding-DNA position 796, T replaced by G.
Protein change: p.Phe266Val; replaces phenylalanine 266 with valine.
Molecular consequence: missense variant. On other transcripts: non-coding transcript variant (1), intron variant (1).
Genome position (GRCh38, 1-based): chr13:32,332,274, T>G. VCF-style: chr13-32332274-T-G. GRCh37 (hg19) VCF-style: chr13-32906411-T-G.
Other names: c.424+1244T>G (NM_001406722.1); c.796T>G, p.Phe266Val (NM_001406721.1, NM_001406719.1, NM_001406720.1); short protein forms F266V.
Identifiers: ClinVar variation 2586307 (VCV002586307.2), dbSNP rs587782433, ClinGen allele CA387760334.

ClinVar aggregate classification (germline): Uncertain significance (1 of 4 stars; one submission).

Conditions:
Hereditary cancer-predisposing syndrome. Also called: Hereditary neoplastic syndrome; Tumor predisposition; Hereditary Cancer Syndrome; Neoplastic Syndromes, Hereditary. Identifiers: Orphanet 140162, MedGen C0027672, MeSH D009386, MONDO:0015356.

Submission:

Ambry Genetics
Classification: Uncertain significance for Hereditary cancer-predisposing syndrome. Last evaluated: 2023-08-13. Review status: criteria provided, single submitter. Criteria: Ambry Variant Classification Scheme 2023. Collection method: clinical testing. Allele origin: germline.
Comment: The p.F266V variant (also known as c.796T>G), located in coding exon 9 of the BRCA2 gene, results from a T to G substitution at nucleotide position 796. The phenylalanine at codon 266 is replaced by valine, an amino acid with highly similar properties. This amino acid position is conserved. In addition, this alteration is predicted to be tolerated by in silico analysis. Since supporting evidence is limited at this time, the clinical significance of this alteration remains unclear.